The following is an entry in ClinVar:

ClinVar aggregate classification (germline): Uncertain significance (1 of 4 stars; one submission).

Conditions:
Neuronal ceroid lipofuscinosis 7 (CLN7). Also called: MFSD8-Related Neuronal Ceroid-Lipofuscinosis. Identifiers: Orphanet 168491, Orphanet 228366, MedGen C1838571, MONDO:0012588, OMIM 610951.

Allele frequency attached by ClinVar (database versions not stated): gnomAD exomes below 0.00001; TOPMed below 0.00001; gnomAD 0.00001.
gnomAD v4.1: 2 of 1,613,952 alleles (0.00012%); highest among the groups gnomAD compares: Non-Finnish European, 0.00017%; no homozygotes.

Submission:

Labcorp Genetics (formerly Invitae), Labcorp
Classification: Uncertain significance for Neuronal ceroid lipofuscinosis 7. Last evaluated: 2024-04-08. Review status: criteria provided, single submitter. Criteria: Invitae Variant Classification Sherloc (09022015). Collection method: clinical testing. Allele origin: germline.
Comment: This sequence change replaces leucine, which is neutral and non-polar, with proline, which is neutral and non-polar, at codon 494 of the MFSD8 protein (p.Leu494Pro). This variant is present in population databases (no rsID available, gnomAD 0.0009%). This variant has not been reported in the literature in individuals affected with MFSD8-related conditions. ClinVar contains an entry for this variant (Variation ID: 1384751). Advanced modeling of protein sequence and biophysical properties (such as structural, functional, and spatial information, amino acid conservation, physicochemical variation, residue mobility, and thermodynamic stability) performed at Invitae indicates that this missense variant is not expected to disrupt MFSD8 protein function with a negative predictive value of 80%. In summary, the available evidence is currently insufficient to determine the role of this variant in disease. Therefore, it has been classified as a Variant of Uncertain Significance.

NM_001371596.2(MFSD8):c.1481T>C (p.Leu494Pro)

Gene: MFSD8 (major facilitator superfamily domain containing 8; minus strand). Cytogenetic location: 4q28.2.
Variant type: single nucleotide variant.
Coding change: c.1481T>C on transcript NM_001371596.2 (MANE Select); coding-DNA position 1481, T replaced by C.
Protein change: p.Leu494Pro; replaces leucine 494 with proline.
Molecular consequence: missense variant.
Genome position (GRCh38, 1-based): chr4:127,920,706, A>G on the plus strand (T>C on the coding strand, the complement: MFSD8 is on the minus strand). VCF-style: chr4-127920706-A-G. GRCh37 (hg19) VCF-style: chr4-128841861-A-G.
Other names: c.1280T>C, p.Leu427Pro (NM_001363520.3); c.1166T>C, p.Leu389Pro (NM_001363521.3); c.1346T>C, p.Leu449Pro (NM_001371590.2); c.1490T>C, p.Leu497Pro (NM_001371591.2); c.1487T>C, p.Leu496Pro (NM_001371592.2); c.1367T>C, p.Leu456Pro (NM_001371593.2); c.1334T>C, p.Leu445Pro (NM_001371594.2); c.1199T>C, p.Leu400Pro (NM_001371595.1); and 3 more; short protein forms L456P, L427P, L445P, L496P, L497P, L389P, L400P, L449P.
Identifiers: ClinVar variation 1384751 (VCV001384751.7), dbSNP rs1217401163, ClinGen allele CA358170596.
Genomic context (GRCh38, chr4:127,920,706, plus strand): 5'-CCATATCTTACAGAAAGAGCAATGAGTCTTTTGTAAACCACTCCCAGGAGGGTGATGGTG[A>G]GCACTATTATTCCACACACCAGGCTGAATGCCCATCGTGGTCCCCAGTGAGCATACACTT-3'
Protein context (NP_001358525.1, residues 484-504): AFSLVCGIIV[Leu494Pro]TITLLGVVYK